The following is an entry in ClinVar:

NM_133443.4(GPT2):c.1482-6T>C

Gene: GPT2 (glutamic--pyruvic transaminase 2; plus strand). Cytogenetic location: 16q11.2.
Variant type: single nucleotide variant.
Coding change: c.1482-6T>C on transcript NM_133443.4 (MANE Select); 6 bases into the intron before coding-DNA position 1482, T replaced by C.
Molecular consequence: intron variant.
Genome position (GRCh38, 1-based): chr16:46,928,901, T>C. VCF-style: chr16-46928901-T-C. GRCh37 (hg19) VCF-style: chr16-46962813-T-C.
Other names: c.1182-6T>C (NM_001142466.3).
Identifiers: ClinVar variation 2646490 (VCV002646490.24), dbSNP rs755751309, ClinGen allele CA8038967.

ClinVar aggregate classification (germline): Likely benign (1 of 4 stars; one submission).

Allele frequency attached by ClinVar (database versions not stated): gnomAD exomes 0.00001; ExAC 0.00003.
gnomAD v4.1: 19 of 1,611,396 alleles (0.0012%); highest among the groups gnomAD compares: Middle Eastern, 0.05%; no homozygotes.

Submission:

CeGaT Center for Human Genetics Tuebingen
Classification: Likely benign. Last evaluated: 2023-01-01. Review status: criteria provided, single submitter. Criteria: CeGaT Center For Human Genetics Tuebingen Variant Classification Criteria Version 2. Collection method: clinical testing. Allele origin: germline. Affected: yes. Observed: 1 variant allele.
Comment: GPT2: BP4